The following is an entry in ClinVar:

ClinVar aggregate classification (germline): Pathogenic. Review status: criteria provided, multiple submitters, no conflicts (2 of 4 stars). 3 submissions from 3 submitters: Pathogenic (2). 1 of the submissions does not count toward it. Last evaluated 2024-05-23.

Conditions:
Primary hyperoxaluria. Identifiers: Orphanet 416, MedGen C0020501, MONDO:0002474.
Primary hyperoxaluria, type I (HP1). Also called: GLYCOLIC ACIDURIA; HEPATIC AGT DEFICIENCY; OXALOSIS I; Primary hyperoxaluria type 1. Identifiers: Orphanet 416, Orphanet 93598, MedGen C0268164, MONDO:0009823, OMIM 259900. Disease mechanism: loss of function.

Submissions (3):

Fulgent Genetics
Classification: Pathogenic for Primary hyperoxaluria, type I. Last evaluated: 2024-05-23. Review status: criteria provided, single submitter. Criteria: ACMG Guidelines, 2015. Collection method: clinical testing. Allele origin: germline.

Women's Health and Genetics/Laboratory Corporation of America, LabCorp
Classification: Pathogenic for Primary hyperoxaluria. Last evaluated: 2024-05-21. Review status: criteria provided, single submitter. Criteria: LabCorp Variant Classification Summary - May 2015. Collection method: clinical testing. Allele origin: germline.
Comment: Variant summary: AGXT c.187G>C (p.Gly63Arg) results in a non-conservative amino acid change located in the Aminotransferase class V domain (IPR000192) of the encoded protein sequence. Four of five in-silico tools predict a damaging effect of the variant on protein function. The variant was absent in 251324 control chromosomes. c.187G>C has been reported exclusively as homozygous in the literature in multiple individuals affected with autosomal recessive Primary Hyperoxaluria Type 1 (Alfadhel_2012, Alfadhel_2023). These data indicate that the variant is very likely to be associated with disease. At least one publication reports experimental evidence that this variant affects the normal function of the protein (Dindo_2018). The following publications have been ascertained in the context of this evaluation (PMID: 27629047, 36409364, 22956877, 29110180, 33721035, 19479957). ClinVar contains an entry for this variant (Variation ID: 204079). Based on the evidence outlined above, the variant was classified as pathogenic.

Clinical Biochemistry Laboratory, Health Services Laboratory
Classification: Pathogenic for Primary hyperoxaluria, type I. Last evaluated: 2014-11-27. Review status: no assertion criteria provided. Collection method: research. Allele origin: germline. Affected: yes. Not counted in ClinVar's aggregate classification.

Literature cited by the submitters: PubMed 19479957 (cited by Women's Health and Genetics/Laboratory Corporation of America, LabCorp and Clinical Biochemistry Laboratory, Health Services Laboratory); PubMed 27629047 (cited by Women's Health and Genetics/Laboratory Corporation of America, LabCorp); PubMed 33721035 (cited by Women's Health and Genetics/Laboratory Corporation of America, LabCorp); PubMed 29110180 (cited by Women's Health and Genetics/Laboratory Corporation of America, LabCorp); PubMed 36409364 (cited by Women's Health and Genetics/Laboratory Corporation of America, LabCorp); PubMed 22956877 (cited by Women's Health and Genetics/Laboratory Corporation of America, LabCorp).

NM_000030.3(AGXT):c.187G>C (p.Gly63Arg)

Gene: AGXT (alanine--glyoxylate aminotransferase; plus strand). Cytogenetic location: 2q37.3.
Variant type: single nucleotide variant.
Coding change: c.187G>C on transcript NM_000030.3 (MANE Select); coding-DNA position 187, G replaced by C.
Protein change: p.Gly63Arg; replaces glycine 63 with arginine.
Molecular consequence: missense variant.
Genome position (GRCh38, 1-based): chr2:240,869,191, G>C. VCF-style: chr2-240869191-G-C. GRCh37 (hg19) VCF-style: chr2-241808608-G-C.
Other names: short protein forms G63R.
Identifiers: ClinVar variation 204079 (VCV000204079.4), dbSNP rs180177181, ClinGen allele CA275642.